The following is an entry in ClinVar:

NM_004963.4(GUCY2C):c.2383A>G (p.Arg795Gly)

Gene: GUCY2C (guanylate cyclase 2C; minus strand). Cytogenetic location: 12p12.3.
Variant type: single nucleotide variant.
Coding change: c.2383A>G on transcript NM_004963.4 (MANE Select); coding-DNA position 2383, A replaced by G.
Protein change: p.Arg795Gly; replaces arginine 795 with glycine.
Molecular consequence: missense variant.
Genome position (GRCh38, 1-based): chr12:14,625,782, T>C on the plus strand (A>G on the coding strand, the complement: GUCY2C is on the minus strand). VCF-style: chr12-14625782-T-C. GRCh37 (hg19) VCF-style: chr12-14778716-T-C.
Other names: short protein forms R795G.
Identifiers: ClinVar variation 3670603 (VCV003670603.2).

ClinVar aggregate classification (germline): Uncertain significance (1 of 4 stars; one submission).

Submission:

Labcorp Genetics (formerly Invitae), Labcorp
Classification: Uncertain significance. Last evaluated: 2024-02-11. Review status: criteria provided, single submitter. Criteria: Invitae Variant Classification Sherloc (09022015). Collection method: clinical testing. Allele origin: germline.
Comment: This sequence change replaces arginine, which is basic and polar, with glycine, which is neutral and non-polar, at codon 795 of the GUCY2C protein (p.Arg795Gly). This variant is not present in population databases (gnomAD no frequency). This variant has not been reported in the literature in individuals affected with GUCY2C-related conditions. Advanced modeling of protein sequence and biophysical properties (such as structural, functional, and spatial information, amino acid conservation, physicochemical variation, residue mobility, and thermodynamic stability) performed at Invitae indicates that this missense variant is not expected to disrupt GUCY2C protein function with a negative predictive value of 80%. In summary, the available evidence is currently insufficient to determine the role of this variant in disease. Therefore, it has been classified as a Variant of Uncertain Significance.